The following is an entry in ClinVar:

ClinVar aggregate classification (germline): Uncertain significance (1 of 4 stars; one submission).

Allele frequency attached by ClinVar (database versions not stated): TOPMed below 0.00001; gnomAD 0.00001.
gnomAD v4.1: 6 of 1,159,122 alleles (0.00052%); highest among the groups gnomAD compares: Non-Finnish European, 0.00064%; no homozygotes.

Submission:

GeneDx
Classification: Uncertain significance. Last evaluated: 2022-08-22. Review status: criteria provided, single submitter. Criteria: GeneDx Variant Classification Process June 2021. Collection method: clinical testing. Allele origin: germline. Affected: yes.
Comment: Not observed at significant frequency in large population cohorts (gnomAD); In silico analysis supports that this missense variant does not alter protein structure/function; Has not been previously published as pathogenic or benign to our knowledge

NM_021008.4(DEAF1):c.92C>T (p.Ala31Val)

Gene: DEAF1 (DEAF1 transcription factor; minus strand). Cytogenetic location: 11p15.5.
Variant type: single nucleotide variant.
Coding change: c.92C>T on transcript NM_021008.4 (MANE Select); coding-DNA position 92, C replaced by T.
Protein change: p.Ala31Val; replaces alanine 31 with valine.
Molecular consequence: missense variant. On other transcripts: intron variant (1).
Genome position (GRCh38, 1-based): chr11:694,956, G>A on the plus strand (C>T on the coding strand, the complement: DEAF1 is on the minus strand). VCF-style: chr11-694956-G-A. GRCh37 (hg19) VCF-style: chr11-694956-G-A.
Other names: c.92C>T, p.Ala31Val (NM_001293634.2); c.-437-3358C>T (NM_001367390.1); short protein forms A31V.
Identifiers: ClinVar variation 1706146 (VCV001706146.2), dbSNP rs1168147612, ClinGen allele CA378940191.
Genomic context (GRCh38, chr11:694,956, plus strand): 5'-TCCTCCTCCGAGTCCTCGTCCCTGCTCAGCACCGGCTCCTCCGCCTCGCCTCCTGCCGCG[G>A]CCGCGGCCGCCGCCGCCACAGCGGCCGCGGCCGCCACCGCCGCCGCCTCAGCCAGGCCCA-3'
Protein context (NP_066288.2, residues 21-41): AAAAVAAAAA[Ala31Val]AAGGEAEEPV